The following is an entry in ClinVar:

NM_025114.4(CEP290):c.1523-10T>A

Gene: CEP290 (centrosomal protein 290; minus strand). Cytogenetic location: 12q21.32.
Variant type: single nucleotide variant.
Coding change: c.1523-10T>A on transcript NM_025114.4 (MANE Select); 10 bases into the intron before coding-DNA position 1523, T replaced by A.
Molecular consequence: intron variant.
Genome position (GRCh38, 1-based): chr12:88,118,753, A>T on the plus strand (T>A on the coding strand, the complement: CEP290 is on the minus strand). VCF-style: chr12-88118753-A-T. GRCh37 (hg19) VCF-style: chr12-88512530-A-T.
Identifiers: ClinVar variation 4997705 (VCV004997705.1).

ClinVar aggregate classification (germline): Uncertain significance (1 of 4 stars; one submission).

Conditions:
CEP290-related disorder. Also called: CEP290-related condition; CEP290-related disorders. Identifiers: MedGen CN239314.

Submission:

PreventionGenetics, part of Exact Sciences
Classification: Uncertain significance for CEP290-related condition. Last evaluated: 2025-03-20. Review status: criteria provided, single submitter. Criteria: ACMG Guidelines, 2015. Collection method: clinical testing. Allele origin: germline.
Comment: The CEP290 c.1523-10T>A variant is predicted to interfere with splicing. To our knowledge, this variant has not been reported in the literature or in a large population database (gnomAD), indicating this variant is rare. However, the use of computer prediction programs is not equivalent to functional evidence, and therefore the clinical significance of this variant is uncertain.